The following is an entry in ClinVar:

NM_006279.5(ST3GAL3):c.983C>A (p.Thr328Lys)

Gene: ST3GAL3 (ST3 beta-galactoside alpha-2,3-sialyltransferase 3; plus strand). Cytogenetic location: 1p34.1.
Variant type: single nucleotide variant.
Coding change: c.983C>A on transcript NM_006279.5 (MANE Select); coding-DNA position 983, C replaced by A.
Protein change: p.Thr328Lys; replaces threonine 328 with lysine.
Molecular consequence: missense variant. On other transcripts: non-coding transcript variant (6), intron variant (11).
Genome position (GRCh38, 1-based): chr1:43,920,873, C>A. VCF-style: chr1-43920873-C-A. GRCh37 (hg19) VCF-style: chr1-44386545-C-A.
Other names: c.893C>A, p.Thr298Lys (NM_001270459.2); c.890C>A, p.Thr297Lys (NM_001270460.2); c.1028C>A, p.Thr343Lys (NM_001350619.2, NM_174964.4); c.983C>A, p.Thr328Lys (NM_001350620.2); c.704C>A, p.Thr235Lys (NM_001350621.2); c.1190C>A, p.Thr397Lys (NM_174963.5); c.1145C>A, p.Thr382Lys (NM_174968.5); c.935C>A, p.Thr312Lys (NM_174969.4); and 12 more; short protein forms T297K, T235K, T328K, T366K, T298K, T312K, T343K, T397K.
Identifiers: ClinVar variation 1352471 (VCV001352471.9), dbSNP rs2154295292, ClinGen allele CA340032945.
Genomic context (GRCh38, chr1:43,920,873, plus strand): 5'-CCATGGCACTACACGGCTGTGACGAGGTGGCAGTCGCAGGATTTGGCTATGACATGAGCA[C>A]ACCCAACGCACCCCTGCACTACTATGAGACCGTTCGCATGGCAGCCATCAAAGAGGTTCG-3'
Protein context (NP_006270.1, residues 318-338): AVAGFGYDMS[Thr328Lys]PNAPLHYYET

ClinVar aggregate classification (germline): Uncertain significance (1 of 4 stars; one submission).

Conditions:
Early-infantile DEE. Also called: Early infantile epileptic encephalopathy; Early infantile epileptic encephalopathy with suppression bursts; Ohtahara syndrome. Identifiers: Orphanet 1934, MedGen C0393706, MONDO:0800491.

Submission:

Labcorp Genetics (formerly Invitae), Labcorp
Classification: Uncertain significance for Early-infantile DEE. Last evaluated: 2024-10-15. Review status: criteria provided, single submitter. Criteria: Invitae Variant Classification Sherloc (09022015). Collection method: clinical testing. Allele origin: germline.
Comment: This sequence change replaces threonine, which is neutral and polar, with lysine, which is basic and polar, at codon 328 of the ST3GAL3 protein (p.Thr328Lys). This variant is not present in population databases (gnomAD no frequency). This variant has not been reported in the literature in individuals affected with ST3GAL3-related conditions. ClinVar contains an entry for this variant (Variation ID: 1352471). Invitae Evidence Modeling of protein sequence and biophysical properties (such as structural, functional, and spatial information, amino acid conservation, physicochemical variation, residue mobility, and thermodynamic stability) indicates that this missense variant is not expected to disrupt ST3GAL3 protein function with a negative predictive value of 80%. In summary, the available evidence is currently insufficient to determine the role of this variant in disease. Therefore, it has been classified as a Variant of Uncertain Significance.